The following is an entry in ClinVar:

ClinVar aggregate classification (germline): Uncertain significance (1 of 4 stars; one submission).

Conditions:
Charcot-Marie-Tooth disease type 4. Also called: Charcot-Marie-Tooth disease, type IV; Charcot-Marie-Tooth, Type 4. Identifiers: Orphanet 64749, MedGen C4082197, MONDO:0018995.

Allele frequency attached by ClinVar (database versions not stated): TOPMed 0.00001.
gnomAD v4.1: 18 of 1,614,146 alleles (0.0011%); highest among the groups gnomAD compares: African/African-American, 0.0027%; no homozygotes.

Submission:

Labcorp Genetics (formerly Invitae), Labcorp
Classification: Uncertain significance for Charcot-Marie-Tooth disease type 4. Last evaluated: 2021-04-20. Review status: criteria provided, single submitter. Criteria: Invitae Variant Classification Sherloc (09022015). Collection method: clinical testing. Allele origin: germline.
Comment: This sequence change replaces glutamic acid with lysine at codon 1061 of the SH3TC2 protein (p.Glu1061Lys). The glutamic acid residue is highly conserved and there is a small physicochemical difference between glutamic acid and lysine. This variant is present in population databases (rs760656119, ExAC 0.006%). This variant has not been reported in the literature in individuals with SH3TC2-related conditions. Advanced modeling of protein sequence and biophysical properties (such as structural, functional, and spatial information, amino acid conservation, physicochemical variation, residue mobility, and thermodynamic stability) performed at Invitae indicates that this missense variant is not expected to disrupt SH3TC2 protein function. In summary, the available evidence is currently insufficient to determine the role of this variant in disease. Therefore, it has been classified as a Variant of Uncertain Significance.

NM_024577.4(SH3TC2):c.3181G>A (p.Glu1061Lys)

Gene: SH3TC2 (SH3 domain and tetratricopeptide repeats 2; minus strand). Cytogenetic location: 5q32.
Variant type: single nucleotide variant.
Coding change: c.3181G>A on transcript NM_024577.4 (MANE Select); coding-DNA position 3181, G replaced by A.
Protein change: p.Glu1061Lys; replaces glutamic acid 1061 with lysine.
Molecular consequence: missense variant.
Genome position (GRCh38, 1-based): chr5:149,012,607, C>T on the plus strand (G>A on the coding strand, the complement: SH3TC2 is on the minus strand). VCF-style: chr5-149012607-C-T. GRCh37 (hg19) VCF-style: chr5-148392170-C-T.
Other names: short protein forms E1061K.
Identifiers: ClinVar variation 1386854 (VCV001386854.7), dbSNP rs760656119, ClinGen allele CA3498828.
Genomic context (GRCh38, chr5:149,012,607, plus strand): 5'-AGTCAACAACTCCCAGAGAGCTCTGCAGGAGGCCTACCTGCAGGCACAGCTCCACCAGCT[C>T]GTCTTCCTGCATGAGGTAGTGGAGTCGCCCCGCCCCAAGCCAGGCCTCAGCAGCCTTGTC-3'
Protein context (NP_078853.2, residues 1051-1071): GRLHYLMQED[Glu1061Lys]LVELCLQAAI